The following is an entry in ClinVar:

ClinVar aggregate classification (germline): Uncertain significance. Review status: criteria provided, multiple submitters, no conflicts (2 of 4 stars). 2 submissions from 2 submitters: Uncertain significance (2). Last evaluated 2025-11-26.

Conditions:
Cardiomyopathy (CMYO). Also called: Cardiomyopathies. Identifiers: Orphanet 167848, MedGen C0878544, MONDO:0004994, HP:0001638. Inheritance: Various modes of inheritance.
Lethal congenital glycogen storage disease of heart. Also called: GLYCOGEN STORAGE DISEASE OF HEART; PHOSPHORYLASE KINASE DEFICIENCY OF HEART. Identifiers: Orphanet 439854, MedGen C1849813, MONDO:0009867, OMIM 261740.

Allele frequency attached by ClinVar (database versions not stated): gnomAD exomes 0.00001.
gnomAD v4.1: 12 of 1,611,390 alleles (0.00074%); highest among the groups gnomAD compares: Non-Finnish European, 0.001%; no homozygotes.

Submissions (2):

Labcorp Genetics (formerly Invitae), Labcorp
Classification: Uncertain significance for Lethal congenital glycogen storage disease of heart. Last evaluated: 2025-11-26. Review status: criteria provided, single submitter. Criteria: Invitae Variant Classification Sherloc (09022015). Collection method: clinical testing. Allele origin: germline.
Comment: This sequence change replaces valine, which is neutral and non-polar, with isoleucine, which is neutral and non-polar, at codon 253 of the PRKAG2 protein (p.Val253Ile). This variant is not present in population databases (gnomAD no frequency). This variant has not been reported in the literature in individuals affected with PRKAG2-related conditions. ClinVar contains an entry for this variant (Variation ID: 921374). Invitae Evidence Modeling of protein sequence and biophysical properties (such as structural, functional, and spatial information, amino acid conservation, physicochemical variation, residue mobility, and thermodynamic stability) indicates that this missense variant is not expected to disrupt PRKAG2 protein function with a negative predictive value of 95%. In summary, the available evidence is currently insufficient to determine the role of this variant in disease. Therefore, it has been classified as a Variant of Uncertain Significance.

Color Diagnostics, LLC DBA Color Health
Classification: Uncertain significance for Cardiomyopathy. Last evaluated: 2019-08-22. Review status: criteria provided, single submitter. Criteria: ACMG Guidelines, 2015. Collection method: clinical testing. Allele origin: germline.
Comment: This missense variant replaces valine with isoleucine at codon 253 of the PRKAG2 protein. Computational prediction tools and conservation analyses are inconclusive regarding the impact of this variant on protein structure and function. Splice site prediction tools suggest that this variant may not impact RNA splicing. To our knowledge, functional studies have not been performed for this variant. This variant has not been reported in individuals affected with cardiovascular disorders in the literature. This variant has not been identified in the general population by the Genome Aggregation Database (gnomAD). The available evidence is insufficient to determine the role of this variant in disease conclusively. Therefore, this variant is classified as a Variant of Uncertain Significance.

NM_016203.4(PRKAG2):c.757G>A (p.Val253Ile)

Gene: PRKAG2 (protein kinase AMP-activated non-catalytic subunit gamma 2; minus strand). Cytogenetic location: 7q36.1.
Variant type: single nucleotide variant.
Coding change: c.757G>A on transcript NM_016203.4 (MANE Select); coding-DNA position 757, G replaced by A.
Protein change: p.Val253Ile; replaces valine 253 with isoleucine.
Molecular consequence: missense variant. On other transcripts: splice acceptor variant (12).
Genome position (GRCh38, 1-based): chr7:151,595,452, C>T on the plus strand (G>A on the coding strand, the complement: PRKAG2 is on the minus strand). VCF-style: chr7-151595452-C-T. GRCh37 (hg19) VCF-style: chr7-151292538-C-T.
Other names: c.625G>A, p.Val209Ile (NM_001040633.2, NM_001407024.1); c.34G>A, p.Val12Ile (NM_001304531.2, NM_001407034.1, NM_001407035.1 and 1 more transcripts); c.385G>A, p.Val129Ile (NM_001363698.2, NM_001407028.1); c.757G>A, p.Val253Ile (NM_001407021.1); c.469G>A, p.Val157Ile (NM_001407030.1); c.439G>A, p.Val147Ile (NM_001407032.1); c.433G>A, p.Val145Ile (NM_001407033.1); c.467-1G>A (NM_001407031.1); and 6 more; short protein forms V253I, V12I, V129I, V209I, V145I, V147I, V157I.
Identifiers: ClinVar variation 921374 (VCV000921374.4), dbSNP rs1814251529, ClinGen allele CA370069606.
Genomic context (GRCh38, chr7:151,595,452, plus strand): 5'-TGTCATAACACTTGTGTGACCTCATGAATCGCATGTAAACACCACTTTCTGAGTCTTCTA[C>T]TGCTAAAAGAAAAAAAGGCAAAACATCAGTAATAATAAAGAATTCCCTCAATCGGATGAA-3'
Protein context (NP_057287.2, residues 243-263): LEKLEFEDEA[Val253Ile]EDSESGVYMR